The following is an entry in ClinVar:

NM_006121.4(KRT1):c.751C>T (p.Arg251Trp)

Gene: KRT1 (keratin 1; minus strand). Cytogenetic location: 12q13.13.
Variant type: single nucleotide variant.
Coding change: c.751C>T on transcript NM_006121.4 (MANE Select); coding-DNA position 751, C replaced by T.
Protein change: p.Arg251Trp; replaces arginine 251 with tryptophan.
Molecular consequence: missense variant.
Genome position (GRCh38, 1-based): chr12:52,678,597, G>A on the plus strand (C>T on the coding strand, the complement: KRT1 is on the minus strand). VCF-style: chr12-52678597-G-A. GRCh37 (hg19) VCF-style: chr12-53072381-G-A.
Other names: short protein forms R251W.
Identifiers: ClinVar variation 3018934 (VCV003018934.3), dbSNP rs771587972, ClinGen allele CA6586379.

ClinVar aggregate classification (germline): Uncertain significance (1 of 4 stars; one submission).

Allele frequency attached by ClinVar (database versions not stated): gnomAD 0.00001; gnomAD exomes 0.00004.
gnomAD v4.1: 54 of 1,614,076 alleles (0.0033%); highest among the groups gnomAD compares: Non-Finnish European, 0.0044%; no homozygotes.

Submission:

Labcorp Genetics (formerly Invitae), Labcorp
Classification: Uncertain significance. Last evaluated: 2023-01-30. Review status: criteria provided, single submitter. Criteria: Invitae Variant Classification Sherloc (09022015). Collection method: clinical testing. Allele origin: germline.
Comment: This sequence change replaces arginine, which is basic and polar, with tryptophan, which is neutral and slightly polar, at codon 251 of the KRT1 protein (p.Arg251Trp). This variant is present in population databases (rs771587972, gnomAD 0.004%). This variant has not been reported in the literature in individuals affected with KRT1-related conditions. Algorithms developed to predict the effect of missense changes on protein structure and function (SIFT, PolyPhen-2, Align-GVGD) all suggest that this variant is likely to be disruptive. In summary, the available evidence is currently insufficient to determine the role of this variant in disease. Therefore, it has been classified as a Variant of Uncertain Significance.